The following is an entry in ClinVar:

NM_001457.4(FLNB):c.1534G>T (p.Ala512Ser)

Gene: FLNB (filamin B; plus strand). Cytogenetic location: 3p14.3.
Variant type: single nucleotide variant.
Coding change: c.1534G>T on transcript NM_001457.4 (MANE Select); coding-DNA position 1534, G replaced by T.
Protein change: p.Ala512Ser; replaces alanine 512 with serine.
Molecular consequence: missense variant.
Genome position (GRCh38, 1-based): chr3:58,104,009, G>T. VCF-style: chr3-58104009-G-T. GRCh37 (hg19) VCF-style: chr3-58089736-G-T.
Other names: c.1534G>T, p.Ala512Ser (NM_001164317.2, NM_001164318.2, NM_001164319.2); short protein forms A512S.
Identifiers: ClinVar variation 2796265 (VCV002796265.3), dbSNP rs201544295, ClinGen allele CA353338296.
Genomic context (GRCh38, chr3:58,104,009, plus strand): 5'-CTTCCCACAGAGGGTCTGGAGGAGCTGGTGAAGCAGAAAGACTTTCTGGATGGGGTCTAC[G>T]CATTCGAGTATTACCCCAGCACCCCGGGGAGATACAGCATTGCCATCACATGGGGGGGAC-3'
Protein context (NP_001448.2, residues 502-522): KQKDFLDGVY[Ala512Ser]FEYYPSTPGR

ClinVar aggregate classification (germline): Uncertain significance (1 of 4 stars; one submission).

gnomAD v4.1: 3 of 1,613,528 alleles (0.00019%); highest among the groups gnomAD compares: Non-Finnish European, 0.00017%; no homozygotes.

Submission:

Labcorp Genetics (formerly Invitae), Labcorp
Classification: Uncertain significance. Last evaluated: 2023-05-07. Review status: criteria provided, single submitter. Criteria: Invitae Variant Classification Sherloc (09022015). Collection method: clinical testing. Allele origin: germline.
Comment: This variant has not been reported in the literature in individuals affected with FLNB-related conditions. Advanced modeling of protein sequence and biophysical properties (such as structural, functional, and spatial information, amino acid conservation, physicochemical variation, residue mobility, and thermodynamic stability) performed at Invitae indicates that this missense variant is not expected to disrupt FLNB protein function. In summary, the available evidence is currently insufficient to determine the role of this variant in disease. Therefore, it has been classified as a Variant of Uncertain Significance. This variant is not present in population databases (gnomAD no frequency). This sequence change replaces alanine, which is neutral and non-polar, with serine, which is neutral and polar, at codon 512 of the FLNB protein (p.Ala512Ser).